The following is an entry in ClinVar:

ClinVar aggregate classification (germline): Conflicting classifications of pathogenicity. Review status: criteria provided, conflicting classifications (1 of 4 stars). 5 submissions from 5 submitters: Uncertain significance (4); Likely benign (1). Last evaluated 2025-12-17.

Conditions:
BRCA1-related cancer predisposition. Identifiers: MedGen CN377757, MONDO:0700268.
Hereditary breast ovarian cancer syndrome. Also called: Hereditary breast and ovarian cancer; Breast and ovarian cancer; BRCA1- and BRCA2-Associated Hereditary Breast and Ovarian Cancer; Hereditary breast and ovarian cancer syndrome; Hereditary breast and ovarian cancer syndrome (HBOC); Hereditary breast and/or ovarian cancer syndrome. Identifiers: Orphanet 145, MedGen C0677776, MeSH D061325, MONDO:0003582. Disease mechanism: loss of function.
Hereditary cancer-predisposing syndrome. Also called: Tumor predisposition; Hereditary neoplastic syndrome; Neoplastic Syndromes, Hereditary; Hereditary Cancer Syndrome. Identifiers: Orphanet 140162, MedGen C0027672, MeSH D009386, MONDO:0015356.

Submissions (5):

Ambry Genetics
Classification: Uncertain significance for Hereditary cancer-predisposing syndrome. Last evaluated: 2025-12-17. Review status: criteria provided, single submitter. Criteria: Ambry Variant Classification Scheme 2023. Collection method: clinical testing. Allele origin: germline.
Comment: The p.A1277V variant (also known as c.3830C>T), located in coding exon 9 of the BRCA1 gene, results from a C to T substitution at nucleotide position 3830. The alanine at codon 1277 is replaced by valine, an amino acid with similar properties. This amino acid position is conserved. In addition, the in silico prediction for this alteration is inconclusive. Since supporting evidence is limited at this time, the clinical significance of this alteration remains unclear.

Labcorp Genetics (formerly Invitae), Labcorp
Classification: Uncertain significance for Hereditary breast ovarian cancer syndrome. Last evaluated: 2025-04-23. Review status: criteria provided, single submitter. Criteria: Invitae Variant Classification Sherloc (09022015). Collection method: clinical testing. Allele origin: germline.
Comment: This sequence change replaces alanine, which is neutral and non-polar, with valine, which is neutral and non-polar, at codon 1277 of the BRCA1 protein (p.Ala1277Val). This variant is not present in population databases (gnomAD no frequency). This variant has not been reported in the literature in individuals affected with BRCA1-related conditions. ClinVar contains an entry for this variant (Variation ID: 182155). Invitae Evidence Modeling of protein sequence and biophysical properties (such as structural, functional, and spatial information, amino acid conservation, physicochemical variation, residue mobility, and thermodynamic stability) indicates that this missense variant is not expected to disrupt BRCA1 protein function with a negative predictive value of 80%. In summary, the available evidence is currently insufficient to determine the role of this variant in disease. Therefore, it has been classified as a Variant of Uncertain Significance.

All of Us Research Program, National Institutes of Health
Classification: Uncertain significance for BRCA1-related cancer predisposition. Last evaluated: 2024-03-24. Review status: criteria provided, single submitter. Criteria: ACMG Guidelines, 2015. Collection method: clinical testing. Allele origin: germline. Inheritance: Autosomal dominant inheritance. Observed: 1 variant allele, 1 heterozygote.
Comment: This missense variant replaces alanine with valine at codon 1277 of the BRCA1 protein. Computational prediction is inconclusive regarding the impact of this variant on protein structure and function. To our knowledge, functional studies have not been reported for this variant. This variant has not been reported in individuals affected with BRCA1-related disorders in the literature. This variant has not been identified in the general population by the Genome Aggregation Database (gnomAD). The available evidence is insufficient to determine the role of this variant in disease conclusively. Therefore, this variant is classified as a Variant of Uncertain Significance.

This study involves interpretation of variants in research participants for the purpose of population health screening. Participant phenotype was not available at the time of variant classification. Additional details can be found in publication PMID: 35346344, PMCID: PMC8962531

University of Washington Department of Laboratory Medicine, University of Washington
Classification: Likely benign for Hereditary cancer-predisposing syndrome. Last evaluated: 2023-03-23. Review status: criteria provided, single submitter. Criteria: Dines et al. (Genet Med. 2020). Collection method: curation. Allele origin: germline.
Comment: Missense variant in a coldspot region where missense variants are very unlikely to be pathogenic (PMID:31911673).

BRCA1 coldspot (exon 11 using historical exon numbering). Reclassification based on statistical prior probability

GeneDx
Classification: Uncertain significance. Last evaluated: 2014-05-14. Review status: criteria provided, single submitter. Criteria: GeneDx Variant Classification (06012015). Collection method: clinical testing. Allele origin: germline. Affected: yes.
Comment: This variant is denoted BRCA1 c.3830C>T at the cDNA level, p.Ala1277Val (A1277V) at the protein level, and results in the change of an Alanine to a Valine (GCA>GTA). This variant has not, to our knowledge, been published in the literature as pathogenic or benign. BRCA1 Ala1277Val was not observed in approximately 6,500 individuals of European and African American ancestry in the NHLBI Exome Sequencing Project, indicating it is not a common benign variant in these populations. Since Alanine and Valine share similar properties, this is considered a conservative amino acid substitution. BRCA1 Ala1277Val occurs at a position that is highly variable across species and is not located in a known functional domain. In addition, in silico analyses predict that this variant is unlikely to alter protein structure or function. Based on currently available information, it is unclear whether BRCA1 Ala1277Val is pathogenic or benign. We consider it to be a variant of uncertain significance.

NM_007294.4(BRCA1):c.3830C>T (p.Ala1277Val)

Genes: BRCA1 (BRCA1 DNA repair associated; minus strand), LOC126862571 (BRD4-independent group 4 enhancer GRCh37_chr17:41243136-41244335; plus strand). Cytogenetic location: 17q21.31.
Variant type: single nucleotide variant.
Coding change: c.3830C>T on transcript NM_007294.4 (MANE Select); coding-DNA position 3830, C replaced by T.
Protein change: p.Ala1277Val; replaces alanine 1277 with valine.
Molecular consequence: missense variant. On other transcripts: intron variant (135).
Genome position (GRCh38, 1-based): chr17:43,091,701, G>A on the plus strand (C>T on the coding strand, the complement: BRCA1 is on the minus strand). VCF-style: chr17-43091701-G-A. GRCh37 (hg19) VCF-style: chr17-41243718-G-A.
Other names: p.A1277V:GCA>GTA; c.3620C>T, p.Ala1207Val (NM_001407889.1, NM_001407900.1, NM_001407902.1 and 13 more transcripts); c.3617C>T, p.Ala1206Val (NM_001407894.1, NM_001407895.1, NM_001407896.1 and 9 more transcripts); c.3707C>T, p.Ala1236Val (NM_001407919.1, NM_001407937.1, NM_001407938.1 and 19 more transcripts); c.3566C>T, p.Ala1189Val (NM_001407920.1, NM_001407921.1, NM_001407922.1 and 9 more transcripts); c.3563C>T, p.Ala1188Val (NM_001407930.1, NM_001407931.1, NM_001407932.1 and 2 more transcripts); c.3704C>T, p.Ala1235Val (NM_001407940.1, NM_001407941.1, NM_001407649.1 and 11 more transcripts); c.3689C>T, p.Ala1230Val (NM_001407942.1, NM_001407944.1, NM_001407945.1 and 29 more transcripts); and 42 more; short protein forms A1277V, A1230V, A1109V, A1149V, A1150V, A1209V, A1229V, A1235V.
Identifiers: ClinVar variation 182155 (VCV000182155.11), dbSNP rs730881489, ClinGen allele CA002468.